The following continues an entry in ClinVar:

NM_004004.6(GJB2):c.269T>C (p.Leu90Pro)

Gene: GJB2. ClinVar aggregate classification (germline): Pathogenic/Likely pathogenic. Pathogenic (50); Likely pathogenic (1).

Submissions 21 to 32 of 59:

ARUP Laboratories, Molecular Genetics and Genomics, ARUP Laboratories
Classification: Pathogenic. Last evaluated: 2022-12-02. Review status: criteria provided, single submitter. Criteria: ARUP Molecular Germline Variant Investigation Process 2024. Collection method: clinical testing. Allele origin: germline.
Comment: The GJB2 c.269T>C; p.Leu90Pro variant (rs80338945) is reported in the literature in multiple individuals and families affected with mild to moderate hearing loss (Denoyelle 1999, Janecke 2002, Likar 2018, Mikstiene 2016, Snoeckx 2005). This variant is reported in ClinVar (Variation ID: 17016), and is found predominantly in the non-Finnish European population with an allele frequency of 0.12% (153/129066 alleles) in the Genome Aggregation Database. Additionally, other variants at this codon (c.269T>G; p.Leu90Arg and c.268C>G; p.Leu90Val) have been reported in individuals with mild hearing loss (Lim 2003, Lipan 2011). Functional analyses of the p.Leu90Pro variant protein shows significant loss of junctional conductance (Bruzzone 2003, D'Andrea 2002, Palmada 2006, Thonnissen 2002). Based on available information, this variant is considered to be pathogenic. REFERENCES Bruzzone R et al. Loss-of-function and residual channel activity of connexin26 mutations associated with non-syndromic deafness. FEBS Lett. 2003 533:79-88. PMID: 12505163. D'Andrea P et al. Hearing loss: frequency and functional studies of the most common connexin26 alleles. Biochem Biophys Res Commun. 2002 296:685-691. PMID: 12176036. Denoyelle F et al. Clinical features of the prevalent form of childhood deafness, DFNB1, due to a connexin-26 gene defect: implications for genetic counselling. Lancet. 1999 353:1298-1303. PMID: 10218527. Janecke AR et al. Progressive hearing loss, and recurrent sudden sensorineural hearing loss associated with GJB2 mutations--phenotypic spectrum and frequencies of GJB2 mutations in Austria. Hum Genet. 2002 111:145-153. PMID: 12189487. Likar T et al. Diagnostic outcomes of exome sequencing in patients with syndromic or non-syndromic hearing loss. PLoS One. 2018 13:e0188578. PMID: 29293505. Lim LH et al. Genotypic and phenotypic correlations of DFNB1-related hearing impairment in the Midwestern United States. Arch Otolaryngol Head Neck Surg. 2003 129:836-840. PMID: 12925341. Lipan M et al. Clinical comparison of hearing-impaired patients with DFNB1 against heterozygote carriers of connexin 26 mutations. Laryngoscope. 2011 121:811-814. PMID: 21287563. Mikstiene V et al. The high frequency of GJB2 gene mutation c.313_326del14 suggests its possible origin in ancestors of Lithuanian population. BMC Genet. 2016 17:45. PMID: 26896187. Palmada M et al. Loss of function mutations of the GJB2 gene detected in patients with DFNB1-associated hearing impairment. Neurobiol Dis. 2006 22:112-118. PMID: 16300957. Snoeckx RL et al. GJB2 mutations and degree of hearing loss: a multicenter study. Am J Hum Genet. 2005 77:945-957. PMID: 16380907. Thonnissen E et al. Human connexin26 (GJB2) deafness mutations affect the function of gap junction channels at different levels of protein expression. Hum Genet. 2002 111:190-197. PMID: 12189493.

Baylor Genetics
Classification: Pathogenic for Autosomal dominant nonsyndromic hearing loss 3A. Last evaluated: 2022-04-29. Review status: criteria provided, single submitter. Criteria: ACMG Guidelines, 2015. Collection method: clinical testing. Allele origin: unknown.

Institute of Human Genetics, University of Leipzig Medical Center
Classification: Pathogenic for Autosomal recessive nonsyndromic hearing loss 1A. Last evaluated: 2022-02-25. Review status: criteria provided, single submitter. Criteria: ACMG Guidelines, 2015. Collection method: clinical testing. Allele origin: unknown. Inheritance: Autosomal recessive inheritance. Affected: yes.
Comment: Criteria applied: PM3_VSTR,PM5_STR,PS3_SUP,PP3; origin unknown but compound heterozygous

Department of Human Genetics, Hannover Medical School
Classification: Pathogenic for Autosomal recessive nonsyndromic hearing loss 1A. Last evaluated: 2022-02-24. Review status: criteria provided, single submitter. Criteria: ACMG Guidelines, 2015. Collection method: clinical testing. Allele origin: germline. Inheritance: Autosomal recessive inheritance. Affected: yes.

Institute for Clinical Genetics, University Hospital TU Dresden, University Hospital TU Dresden
Classification: Pathogenic. Last evaluated: 2021-11-03. Review status: criteria provided, single submitter. Criteria: ACMG Guidelines, 2015. Collection method: clinical testing. Allele origin: germline.

Dasa
Classification: Pathogenic for Deafness. Last evaluated: 2021-09-02. Review status: criteria provided, single submitter. Criteria: ACMG Guidelines, 2015. Collection method: clinical testing. Allele origin: germline. Affected: yes.
Comment: The missense variant c.269T>C;p.(Leu90Pro) in the GJB2 gene is classified as pathogenic related with DFNB1 nonsyndromic hearing (ClinVar ID: 17016; OMIM: 121011.0016; PMID: 11313763; 26896187; 20301449; 25214170; 24793888; 12176036; 16300957; 24158611; 22281373; 22037723; 33333757; 29293505; 29311818; 25189242) – PS4. This variant is present at very low allele frequencies population databases (rs80338945 - gnomAD; ABraOM) - PM2_ supporting. The p.Leu90Pro was detected in trans with a pathogenic variant (PMID: 25214170; 24793888; 26896187; 24158611; 22281373; 22037723; 29293505; 25189242) - PM3_very strong; and the predictions coincide with pathogenicity – PP3. In summary, the currently available evidence indicates that the variant is pathogenic.

Department of Otolaryngology – Head & Neck Surgery, Cochlear Implant Center
Classification: Pathogenic for Hearing impairment. Last evaluated: 2021-04-12. Review status: criteria provided, single submitter. Criteria: ClinGen HL ACMG Specifications v1. Collection method: clinical testing. Allele origin: germline. Affected: yes.
Comment: PS1_Strong, PM2_Moderate, PM3_Supporting, PM5_Moderate, PP3_Supporting

Institute of Medical Genetics and Applied Genomics, University Hospital Tübingen
Classification: Pathogenic. Last evaluated: 2021-02-01. Review status: criteria provided, single submitter. Criteria: ACMG Guidelines, 2015. Collection method: clinical testing. Allele origin: germline. Inheritance: Autosomal recessive inheritance. Affected: yes.

INGEBI, INGEBI / CONICET
Classification: Pathogenic for Nonsyndromic hearing loss and deafness. Last evaluated: 2020-08-31. Review status: criteria provided, single submitter. Criteria: ClinGen HL ACMG Specifications v1. Collection method: clinical testing. Allele origin: germline. Inheritance: Autosomal recessive inheritance. Affected: yes. Observed: 3 variant alleles, 2 heterozygotes, 1 compound heterozygote. Clinical features observed: Prelingual severe to profound bilateral hearing loss, postlingual moderate hearing loss.
Comment: Based on ACMG/AMP guidelines and Hearing Loss Expert Panel specific criteria: the filter allele frequency of c.269T>C, p.Leu90Pro variant in GJB2 gene is 0.1% (153/129066 European non-Finnish alleles with 95% CI) from Genome Aggregation Database (calculated by using inverse allele frequency at an online resource), which meets the BS1_Supporting rule. Computational analysis of p.Leu90Pro change predicted a damage impact to the protein (REVELscore:0.981; PP3). This variant has been identified in at least 15 hearing loss individuals in trans with c.35delG variant and in trans with several known pathogenic variants meeting PM3_VerySrong (PMID: 10218527, 10830906, 10982180, 11313763, 11493200, 12176179, 14985372, 15967879, 163800907, 19173109, 24158611). Functional studies in HeLa cells showed that p.Leu90Pro mutant displayed neither very low incidence of dye transfer (LY and DAPI), not tracer (neurobitin) diffusion (PMID: 12176036, 12189493). In addition to this, electrophysiological recordings in Xenopus Laevis oocytes demonstrated that there was not junctional conductance levels detected when p.Leu90Pro mutant was injected (PMID: 12505163). Besides, partial dominant effect on hCX30 was determined but not on CX26; PS3_Moderate. In summary, this variant meets criteria to be classified as pathogenic for autosomal recessive non-syndromic hearing loss: BS1_Supporting, PP3, PM3_VeryStrong, PS3_Moderate.

GeneDx
Classification: Pathogenic. Last evaluated: 2020-01-20. Review status: criteria provided, single submitter. Criteria: GeneDx Variant Classification Process June 2021. Collection method: clinical testing. Allele origin: germline. Affected: yes.
Comment: Reported in the published literature as homozygous or compound heterozygous with another pathogenic variant in individuals with mild to profound autosomal recessive non-syndromic hearing loss (DFNB1) (Denoyelle et al., 1999; Beck et al., 2015; Tekin et al., 2016; Loeffler et al., 2001); This variant seems common among the Italian and Lithuanian populations (D'Andrea et al., 2002; Mikstiene et al., 2016); In vitro electrophysiological and functional studies demonstrate that L90P impedes formation of functional gap junction channels and hemichannels but does not interfere with function of co-expressed wildtype protein, consistent with its autosomal recessive inheritance (D'Andrea et al., 2002; Thonnissen et al., 2002; Palmada et al., 2006); In silico analysis supports that this missense variant has a deleterious effect on protein structure/function; This variant is associated with the following publications: (PMID: 27177978, 26850479, 27481527, 30609409, 29554876, 31980526, 22975760, 25087612, 10218527, 12189493, 12176036, 12505163, 16300957, 27224056, 26896187, 25214170, 11313763, 12189487, 27153395, 14738110, 25388846, 29293505, 30094485, 30344259, 31160754, 33096615, 31589614, 32860223)

Myriad Genetics, Inc.
Classification: Pathogenic for Autosomal recessive nonsyndromic hearing loss 1A. Last evaluated: 2019-12-07. Review status: criteria provided, single submitter. Criteria: Myriad Women's Health Autosomal Recessive and X-Linked Classification Criteria (2019). Collection method: clinical testing. Allele origin: unknown.
Comment: NM_004004.5(GJB2):c.269T>C(L90P) is classified as pathogenic in the context of GJB2-related DFNB1 nonsyndromic hearing loss and deafness. Sources cited for classification include the following: PMID 12505163, 10830906, 12189493, 12189487, 15967879, and 21094084. Classification of NM_004004.5(GJB2):c.269T>C(L90P) is based on the following criteria: This is a well-established pathogenic variant in the literature that has been observed more frequently in patients with clinical diagnoses than in healthy populations. Please note: this variant was assessed in the context of healthy population screening.

Baylor Genetics
Classification: Pathogenic for Autosomal recessive nonsyndromic hearing loss 1A. Last evaluated: 2019-04-19. Review status: criteria provided, single submitter. Criteria: ACMG Guidelines, 2015. Collection method: clinical testing. Allele origin: unknown. Affected: yes.
Comment: This variant was determined to be pathogenic according to ACMG Guidelines, 2015 [PMID:25741868].